The following is an entry in ClinVar:

NM_004946.3(DOCK2):c.679G>C (p.Val227Leu)

Gene: DOCK2 (dedicator of cytokinesis 2; plus strand). Cytogenetic location: 5q35.1.
Variant type: single nucleotide variant.
Coding change: c.679G>C on transcript NM_004946.3 (MANE Select); coding-DNA position 679, G replaced by C.
Protein change: p.Val227Leu; replaces valine 227 with leucine.
Molecular consequence: missense variant. On other transcripts: non-coding transcript variant (1).
Genome position (GRCh38, 1-based): chr5:169,684,268, G>C. VCF-style: chr5-169684268-G-C. GRCh37 (hg19) VCF-style: chr5-169111272-G-C.
Other names: short protein forms V227L.
Identifiers: ClinVar variation 946089 (VCV000946089.7), dbSNP rs771842589, ClinGen allele CA3553226.

ClinVar aggregate classification (germline): Uncertain significance (1 of 4 stars; one submission).

Conditions:
DOCK2 deficiency. Also called: Immunodeficiency 40. Identifiers: Orphanet 447737, MedGen C4225328, MONDO:0014637, OMIM 616433.

Allele frequency attached by ClinVar (database versions not stated): gnomAD exomes 0.00001 and 0.00002; ExAC 0.00005.
gnomAD v4.1: 21 of 1,614,112 alleles (0.0013%); highest among the groups gnomAD compares: Non-Finnish European, 0.0018%; no homozygotes.

Submission:

Labcorp Genetics (formerly Invitae), Labcorp
Classification: Uncertain significance for DOCK2 deficiency. Last evaluated: 2019-08-20. Review status: criteria provided, single submitter. Criteria: Invitae Variant Classification Sherloc (09022015). Collection method: clinical testing. Allele origin: germline.
Comment: In summary, the available evidence is currently insufficient to determine the role of this variant in disease. Therefore, it has been classified as a Variant of Uncertain Significance. Algorithms developed to predict the effect of missense changes on protein structure and function are either unavailable or do not agree on the potential impact of this missense change (SIFT: "Deleterious"; PolyPhen-2: "Benign"; Align-GVGD: "Class C0"). This variant has not been reported in the literature in individuals with DOCK2-related conditions. This variant is present in population databases (rs771842589, ExAC 0.009%). This sequence change replaces valine with leucine at codon 227 of the DOCK2 protein (p.Val227Leu). The valine residue is moderately conserved and there is a small physicochemical difference between valine and leucine.